The following is an entry in ClinVar:

NM_199334.5(THRA):c.733_736delinsTGTGGATGGTCTTC (p.Glu245fs)

Gene: THRA (thyroid hormone receptor alpha; plus strand). Cytogenetic location: 17q21.1.
Variant type: Indel.
Coding change: c.733_736delinsTGTGGATGGTCTTC on transcript NM_199334.5 (MANE Select); coding-DNA positions 733 to 736, GAAG replaced by TGTGGATGGTCTTC.
Protein change: p.Glu245fs; shifts the reading frame from glutamic acid 245.
Molecular consequence: frameshift variant.
Genome position (GRCh38, 1-based): chr17:40,088,251-40,088,254, GAAG replaced by TGTGGATGGTCTTC. VCF-style: chr17-40088251-GAAG-TGTGGATGGTCTTC. GRCh37 (hg19) VCF-style: chr17-38244504-GAAG-TGTGGATGGTCTTC.
Other names: c.733_736delinsTGTGGATGGTCTTC, p.Glu245fs (NM_001190918.2, NM_001190919.2, NM_003250.6); short protein forms E245fs.
Identifiers: ClinVar variation 3381652 (VCV003381652.2).
Genomic context (GRCh38, chr17:40,088,251, plus strand): 5'-GGACGCGGGGAGGGGTATGCTGAGTGCTCCTGTGGCCCTGCCGCTCCACAGCTGCCTTGC[GAAG>TGTGGATGGTCTTC]ACCAGATCATCCTCCTGAAGGGGTGCTGCATGGAGATCATGTCCCTGCGGGCGGCTGTCC-3'

ClinVar aggregate classification (germline): Uncertain significance (1 of 4 stars; one submission).

Submission:

GeneDx
Classification: Uncertain significance. Last evaluated: 2026-08-22. Review status: criteria provided, single submitter. Criteria: GeneDx Variant Classification Process June 2021. Collection method: clinical testing. Allele origin: germline.
Comment: Not observed at significant frequency in large population cohorts (gnomAD); Frameshift variant predicted to result in protein truncation or nonsense mediated decay in a gene or region of a gene for which loss of function is not a well-established mechanism of disease; Has not been previously published as pathogenic or benign to our knowledge